The following is an entry in ClinVar:

ClinVar aggregate classification (germline): Uncertain significance (1 of 4 stars; one submission).

Conditions:
Neuroblastoma, susceptibility to, 3. Also called: ALK-Related Neuroblastic Tumor Susceptibility. Identifiers: Orphanet 635, MedGen C2751681, MONDO:0013083, OMIM 613014.

Submission:

Labcorp Genetics (formerly Invitae), Labcorp
Classification: Uncertain significance for Neuroblastoma, susceptibility to, 3. Last evaluated: 2023-12-15. Review status: criteria provided, single submitter. Criteria: Invitae Variant Classification Sherloc (09022015). Collection method: clinical testing. Allele origin: germline.
Comment: This sequence change replaces alanine, which is neutral and non-polar, with serine, which is neutral and polar, at codon 537 of the ALK protein (p.Ala537Ser). This variant is not present in population databases (gnomAD no frequency). This variant has not been reported in the literature in individuals affected with ALK-related conditions. Algorithms developed to predict the effect of missense changes on protein structure and function output the following: SIFT: "Not Available"; PolyPhen-2: "Benign"; Align-GVGD: "Not Available". The serine amino acid residue is found in multiple mammalian species, which suggests that this missense change does not adversely affect protein function. In summary, the available evidence is currently insufficient to determine the role of this variant in disease. Therefore, it has been classified as a Variant of Uncertain Significance.

NM_004304.5(ALK):c.1609G>T (p.Ala537Ser)

Gene: ALK (ALK receptor tyrosine kinase; minus strand). Cytogenetic location: 2p23.2.
Variant type: single nucleotide variant.
Coding change: c.1609G>T on transcript NM_004304.5 (MANE Select); coding-DNA position 1609, G replaced by T.
Protein change: p.Ala537Ser; replaces alanine 537 with serine.
Molecular consequence: missense variant.
Genome position (GRCh38, 1-based): chr2:29,318,342, C>A on the plus strand (G>T on the coding strand, the complement: ALK is on the minus strand). VCF-style: chr2-29318342-C-A. GRCh37 (hg19) VCF-style: chr2-29541208-C-A.
Other names: short protein forms A537S.
Identifiers: ClinVar variation 2703396 (VCV002703396.3), dbSNP rs1666894456, ClinGen allele CA346471033.